The following is an entry in ClinVar:

ClinVar aggregate classification (germline): Likely benign (0 of 4 stars; one submission).

Conditions:
P2RY11-related disorder. Also called: P2RY11-related condition.

Allele frequency attached by ClinVar (database versions not stated): gnomAD exomes 0.00026; ExAC 0.00069; ESP Exome Variant Server 0.00208; gnomAD 0.00227; 1000 Genomes Project 0.00240; TOPMed 0.00241; 1000 Genomes Project 30x 0.00344.
gnomAD v4.1: 741 of 1,600,876 alleles (0.046%); highest among the groups gnomAD compares: African/African-American, 0.85%; 6 homozygotes.

Submission:

PreventionGenetics, part of Exact Sciences
Classification: Likely benign for P2RY11-related condition. Last evaluated: 2020-07-07. Review status: no assertion criteria provided. Collection method: clinical testing. Allele origin: germline.
Comment: This variant is classified as likely benign based on ACMG/AMP sequence variant interpretation guidelines (Richards et al. 2015 PMID: 25741868, with internal and published modifications).

NM_002566.5(P2RY11):c.496A>G (p.Ser166Gly)

Genes: P2RY11 (purinergic receptor P2Y11; plus strand), PPAN-P2RY11 (PPAN-P2RY11 readthrough; plus strand). Cytogenetic location: 19p13.2.
Variant type: single nucleotide variant.
Coding change: c.496A>G on transcript NM_002566.5 (MANE Select); coding-DNA position 496, A replaced by G.
Protein change: p.Ser166Gly; replaces serine 166 with glycine.
Molecular consequence: missense variant. On other transcripts: 3 prime UTR variant (1).
Genome position (GRCh38, 1-based): chr19:10,114,109, A>G. VCF-style: chr19-10114109-A-G. GRCh37 (hg19) VCF-style: chr19-10224785-A-G.
Other names: c.1756A>G, p.Ser586Gly (NM_001040664.3); c.*255A>G (NM_001198690.2); short protein forms S166G, S586G.
Identifiers: ClinVar variation 3044892 (VCV003044892.2), dbSNP rs112371201, ClinGen allele CA9186459.
Genomic context (GRCh38, chr19:10,114,109, plus strand): 5'-GCCTGGGCCGTGAGCGCTGCCGGCTGGGTCCTGGCCGCCCTGCTGGCCATGCCCACACTC[A>G]GCTTCTCCCACCTGAAGAGGCCGCAGCAGGGGGCGGGCAACTGCAGCGTGGCCAGGCCCG-3'
Protein context (NP_002557.2, residues 156-176): LAALLAMPTL[Ser166Gly]FSHLKRPQQG